The following is an entry in ClinVar:

ClinVar aggregate classification (germline): Uncertain significance. Review status: criteria provided, multiple submitters, no conflicts (2 of 4 stars). 2 submissions from 2 submitters: Uncertain significance (2). Last evaluated 2023-04-18.

Conditions:
Episodic ataxia type 2 (EA2). Also called: ATAXIA, EPISODIC, WITH NYSTAGMUS; ATAXIA, FAMILIAL PAROXYSMAL; CEREBELLAR ATAXIA, PAROXYSMAL, ACETAZOLAMIDE-RESPONSIVE; CEREBELLOPATHY, HEREDITARY PAROXYSMAL; EPISODIC ATAXIA, NYSTAGMUS-ASSOCIATED; ACETAZOLAMIDE-RESPONSIVE HEREDITARY PAROXYSMAL CEREBELLAR ATAXIA. Identifiers: Orphanet 97, MedGen C1720416, MONDO:0007163, OMIM 108500.
Developmental and epileptic encephalopathy, 42 (DEE42A). Also called: DEVELOPMENTAL AND EPILEPTIC ENCEPHALOPATHY 42A; EPILEPTIC ENCEPHALOPATHY, EARLY INFANTILE, 42A; Epileptic encephalopathy, early infantile, 42. Identifiers: MedGen C4310716, MONDO:0014917, OMIM 617106.

Allele frequency attached by ClinVar (database versions not stated): gnomAD exomes below 0.00001; TOPMed below 0.00001.
gnomAD v4.1: 1 of 1,536,372 alleles (0.000065%); highest among the groups gnomAD compares: Non-Finnish European, 0.000087%; no homozygotes.

Submissions (2):

Labcorp Genetics (formerly Invitae), Labcorp
Classification: Uncertain significance for Developmental and epileptic encephalopathy, 42; Episodic ataxia type 2. Last evaluated: 2023-04-18. Review status: criteria provided, single submitter. Criteria: Invitae Variant Classification Sherloc (09022015). Collection method: clinical testing. Allele origin: germline.
Comment: In summary, the available evidence is currently insufficient to determine the role of this variant in disease. Therefore, it has been classified as a Variant of Uncertain Significance. Advanced modeling of protein sequence and biophysical properties (such as structural, functional, and spatial information, amino acid conservation, physicochemical variation, residue mobility, and thermodynamic stability) performed at Invitae indicates that this missense variant is not expected to disrupt CACNA1A protein function. ClinVar contains an entry for this variant (Variation ID: 1806775). This variant has not been reported in the literature in individuals affected with CACNA1A-related conditions. This variant is not present in population databases (gnomAD no frequency). This sequence change replaces glutamine, which is neutral and polar, with histidine, which is basic and polar, at codon 2210 of the CACNA1A protein (p.Gln2210His).

GeneDx
Classification: Uncertain significance. Last evaluated: 2022-06-21. Review status: criteria provided, single submitter. Criteria: GeneDx Variant Classification Process June 2021. Collection method: clinical testing. Allele origin: germline. Affected: yes.
Comment: Not observed at significant frequency in large population cohorts (gnomAD); In silico analysis supports that this missense variant does not alter protein structure/function; Has not been previously published as pathogenic or benign to our knowledge

NM_001127222.2(CACNA1A):c.6627G>C (p.Gln2209His)

Gene: CACNA1A (calcium voltage-gated channel subunit alpha1 A; minus strand). Cytogenetic location: 19p13.13.
Variant type: single nucleotide variant.
Coding change: c.6627G>C on transcript NM_001127222.2 (MANE Select); coding-DNA position 6627, G replaced by C.
Protein change: p.Gln2209His; replaces glutamine 2209 with histidine.
Molecular consequence: missense variant.
Genome position (GRCh38, 1-based): chr19:13,208,909, C>G on the plus strand (G>C on the coding strand, the complement: CACNA1A is on the minus strand). VCF-style: chr19-13208909-C-G. GRCh37 (hg19) VCF-style: chr19-13319723-C-G.
Other names: c.6645G>C, p.Gln2215His (NM_000068.4, NM_023035.3); c.6630G>C, p.Gln2210His (NM_001127221.2); c.6636G>C, p.Gln2212His (NM_001174080.2); short protein forms Q2209H, Q2210H, Q2212H, Q2215H.
Identifiers: ClinVar variation 1806775 (VCV001806775.4), dbSNP rs768006317, ClinGen allele CA9239319.